The following is an entry in ClinVar:

ClinVar aggregate classification (germline): Uncertain significance (1 of 4 stars; one submission).

Allele frequency attached by ClinVar (database versions not stated): gnomAD exomes below 0.00001.
gnomAD v4.1: 1 of 1,612,456 alleles (0.000062%); highest among the groups gnomAD compares: Admixed American, 0.0017%; no homozygotes.

Submission:

Labcorp Genetics (formerly Invitae), Labcorp
Classification: Uncertain significance. Last evaluated: 2024-12-02. Review status: criteria provided, single submitter. Criteria: Invitae Variant Classification Sherloc (09022015). Collection method: clinical testing. Allele origin: germline.
Comment: This sequence change replaces glutamine, which is neutral and polar, with arginine, which is basic and polar, at codon 418 of the ERBIN protein (p.Gln418Arg). This variant is not present in population databases (gnomAD no frequency). This variant has not been reported in the literature in individuals affected with ERBIN-related conditions. ClinVar contains an entry for this variant (Variation ID: 1970255). An algorithm developed to predict the effect of missense changes on protein structure and function (PolyPhen-2) suggests that this variant is likely to be tolerated. In summary, the available evidence is currently insufficient to determine the role of this variant in disease. Therefore, it has been classified as a Variant of Uncertain Significance.

NM_001253697.2(ERBIN):c.1253A>G (p.Gln418Arg)

Gene: ERBIN (erbb2 interacting protein; plus strand). Cytogenetic location: 5q12.3.
Variant type: single nucleotide variant.
Coding change: c.1253A>G on transcript NM_001253697.2 (MANE Select); coding-DNA position 1253, A replaced by G.
Protein change: p.Gln418Arg; replaces glutamine 418 with arginine.
Molecular consequence: missense variant.
Genome position (GRCh38, 1-based): chr5:66,038,429, A>G. VCF-style: chr5-66038429-A-G. GRCh37 (hg19) VCF-style: chr5-65334257-A-G.
Other names: c.1253A>G, p.Gln418Arg (NM_001006600.3, NM_001253698.2, NM_001253699.2 and 2 more transcripts); short protein forms Q418R.
Identifiers: ClinVar variation 1970255 (VCV001970255.5), dbSNP rs2546761090, ClinGen allele CA359976029.